The following is an entry in ClinVar:

ClinVar aggregate classification (germline): Likely benign. Review status: criteria provided, single submitter (1 of 4 stars). 2 submissions from 2 submitters: Likely benign (1). 1 of the submissions does not count toward it. Last evaluated 2024-04-22.

Conditions:
RERE-related disorder. Also called: RERE-Related Disorders; RERE-related condition. Identifiers: MedGen CN381537.
Inborn genetic diseases. Identifiers: MedGen C0950123, MeSH D030342.

Allele frequency attached by ClinVar (database versions not stated): gnomAD 0.00022; ExAC 0.00028; TOPMed 0.00031.
gnomAD v4.1: 139 of 1,571,654 alleles (0.0088%); highest among the groups gnomAD compares: African/African-American, 0.1%; no homozygotes.

Submissions (2):

Ambry Genetics
Classification: Likely benign for Inborn genetic diseases. Last evaluated: 2024-04-22. Review status: criteria provided, single submitter. Criteria: Ambry Variant Classification Scheme 2023. Collection method: clinical testing. Allele origin: germline.

PreventionGenetics, part of Exact Sciences
Classification: Likely benign for RERE-related condition. Last evaluated: 2019-04-10. Review status: no assertion criteria provided. Collection method: clinical testing. Allele origin: germline. Not counted in ClinVar's aggregate classification.
Comment: This variant is classified as likely benign based on ACMG/AMP sequence variant interpretation guidelines (Richards et al. 2015 PMID: 25741868, with internal and published modifications).

NM_001042681.2(RERE):c.3242C>T (p.Ala1081Val)

Gene: RERE (arginine-glutamic acid dipeptide repeats; minus strand). Cytogenetic location: 1p36.23.
Variant type: single nucleotide variant.
Coding change: c.3242C>T on transcript NM_001042681.2 (MANE Select); coding-DNA position 3242, C replaced by T.
Protein change: p.Ala1081Val; replaces alanine 1081 with valine.
Molecular consequence: missense variant.
Genome position (GRCh38, 1-based): chr1:8,360,265, G>A on the plus strand (C>T on the coding strand, the complement: RERE is on the minus strand). VCF-style: chr1-8360265-G-A. GRCh37 (hg19) VCF-style: chr1-8420325-G-A.
Other names: c.1580C>T, p.Ala527Val (NM_001042682.2); c.3242C>T, p.Ala1081Val (NM_012102.4); short protein forms A1081V, A527V.
Identifiers: ClinVar variation 3057887 (VCV003057887.3), dbSNP rs773570519, ClinGen allele CA571220.